The following is an entry in ClinVar:

ClinVar aggregate classification (germline): Uncertain significance (1 of 4 stars; one submission).

Conditions:
Neuropathy, hereditary sensory and autonomic, type 2A (HSAN2A). Also called: MORVAN DISEASE; NEUROPATHY, CONGENITAL SENSORY; NEUROPATHY, HEREDITARY SENSORY RADICULAR, AUTOSOMAL RECESSIVE; NEUROPATHY, HEREDITARY SENSORY, TYPE IIA; NEUROPATHY, PROGRESSIVE SENSORY, OF CHILDREN; ACROOSTEOLYSIS, GIACCAI TYPE. Identifiers: Orphanet 970, MedGen C2752089, MONDO:0024309, OMIM 201300.
Generalized epilepsy with febrile seizures plus, type 7 (GEFSP7). Also called: GEFS+, TYPE 7. Identifiers: Orphanet 36387, MedGen C2751778, MONDO:0013470, OMIM 613863.

Submission:

Labcorp Genetics (formerly Invitae), Labcorp
Classification: Uncertain significance for Neuropathy, hereditary sensory and autonomic, type 2A; Generalized epilepsy with febrile seizures plus, type 7. Last evaluated: 2024-04-25. Review status: criteria provided, single submitter. Criteria: Invitae Variant Classification Sherloc (09022015). Collection method: clinical testing. Allele origin: germline.
Comment: This sequence change falls in intron 7 of the SCN9A gene. It does not directly change the encoded amino acid sequence of the SCN9A protein. This variant is not present in population databases (gnomAD no frequency). This variant has not been reported in the literature in individuals affected with SCN9A-related conditions. Algorithms developed to predict the effect of sequence changes on RNA splicing suggest that this variant may disrupt the consensus splice site. In summary, the available evidence is currently insufficient to determine the role of this variant in disease. Therefore, it has been classified as a Variant of Uncertain Significance.

NM_001365536.1(SCN9A):c.902-14TTC[2]

Genes: SCN9A (sodium voltage-gated channel alpha subunit 9; minus strand), SCN1A-AS1 (SCN1A and SCN9A antisense RNA 1; plus strand). Cytogenetic location: 2q24.3.
Variant type: Microsatellite.
Coding change: c.902-14TTC[2] on transcript NM_001365536.1 (MANE Select); two copies in a row of the 3-base unit TTC starting at c.902-14; the reference has three copies in a row; one copy, 3 bases deleted.
Molecular consequence: intron variant. On other transcripts: non-coding transcript variant (1).
Genome position (GRCh38, 1-based): chr2:166,294,668-166,294,670, GAA deleted on the plus strand (TTC on the coding strand, the reverse complement: SCN9A is on the minus strand); deleting any 3 consecutive bases within chr2:166,294,668-166,294,676 gives the same sequence; the position shown is the placement nearest the transcript's 3' end. VCF-style (leftmost placement, unchanged base first): chr2-166294667-TGAA-T. GRCh37 (hg19) VCF-style: chr2-167151177-TGAA-T.
Other names: c.902-14TTC[2] (NM_002977.4).
Identifiers: ClinVar variation 3756072 (VCV003756072.2).
Genomic context (GRCh38, chr2:166,294,667, plus strand): 5'-TGTGCTGAAACCACAAAGGAGAGCATCTTTGGATCCTTCCAAGTAATAAAAATATTCTGT[TGAA>T]GAAGAATTTGAACAGTTATAACATCACAGACTTTAATCTGTGATTGTGATAAAGGAGGTA-3'